The following is an entry in ClinVar:

ClinVar aggregate classification (germline): Uncertain significance (1 of 4 stars; one submission).

Submission:

GeneDx
Classification: Uncertain significance. Last evaluated: 2025-06-18. Review status: criteria provided, single submitter. Criteria: GeneDx Variant Classification Process June 2021. Collection method: clinical testing. Allele origin: germline. Affected: yes.
Comment: Not observed at significant frequency in large population cohorts (gnomAD); In silico analysis supports that this missense variant has a deleterious effect on protein structure/function; Has not been previously published as pathogenic or benign to our knowledge

NM_003458.4(BSN):c.9431A>C (p.Lys3144Thr)

Gene: BSN (bassoon presynaptic cytomatrix protein; plus strand). Cytogenetic location: 3p21.31.
Variant type: single nucleotide variant.
Coding change: c.9431A>C on transcript NM_003458.4 (MANE Select); coding-DNA position 9431, A replaced by C.
Protein change: p.Lys3144Thr; replaces lysine 3144 with threonine.
Molecular consequence: missense variant.
Genome position (GRCh38, 1-based): chr3:49,661,276, A>C. VCF-style: chr3-49661276-A-C. GRCh37 (hg19) VCF-style: chr3-49698709-A-C.
Other names: short protein forms K3144T.
Identifiers: ClinVar variation 4538746 (VCV004538746.1).